The following is an entry in ClinVar:

NM_006912.6(RIT1):c.208A>T (p.Asn70Tyr)

Gene: RIT1 (Ras like without CAAX 1; minus strand). Cytogenetic location: 1q22.
Variant type: single nucleotide variant.
Coding change: c.208A>T on transcript NM_006912.6 (MANE Select); coding-DNA position 208, A replaced by T.
Protein change: p.Asn70Tyr; replaces asparagine 70 with tyrosine.
Molecular consequence: missense variant.
Genome position (GRCh38, 1-based): chr1:155,904,760, T>A on the plus strand (A>T on the coding strand, the complement: RIT1 is on the minus strand). VCF-style: chr1-155904760-T-A. GRCh37 (hg19) VCF-style: chr1-155874551-T-A.
Other names: c.208A>T (NM_006912.4); c.100A>T, p.Asn34Tyr (NM_001256820.2); c.259A>T, p.Asn87Tyr (NM_001256821.2); short protein forms N34Y, N70Y, N87Y.
Identifiers: ClinVar variation 1314916 (VCV001314916.9), dbSNP rs1394425355, ClinGen allele CA342803278.

ClinVar aggregate classification (germline): Uncertain significance. Review status: criteria provided, multiple submitters, no conflicts (2 of 4 stars). 4 submissions from 4 submitters: Uncertain significance (4). Last evaluated 2025-07-09.

Conditions:
Cardiovascular phenotype. Identifiers: MedGen CN230736.
Noonan syndrome 8 (NS8). Identifiers: Orphanet 648, MedGen C3809233, MONDO:0014143, OMIM 615355.

Allele frequency attached by ClinVar (database versions not stated): gnomAD exomes 0.00003; gnomAD 0.00001; TOPMed 0.00002.
gnomAD v4.1: 53 of 1,612,844 alleles (0.0033%); highest among the groups gnomAD compares: Non-Finnish European, 0.0035%; no homozygotes.

Submissions (4):

Labcorp Genetics (formerly Invitae), Labcorp
Classification: Uncertain significance for Noonan syndrome 8. Last evaluated: 2025-07-09. Review status: criteria provided, single submitter. Criteria: Invitae Variant Classification Sherloc (09022015). Collection method: clinical testing. Allele origin: germline.
Comment: This sequence change replaces asparagine, which is neutral and polar, with tyrosine, which is neutral and polar, at codon 70 of the RIT1 protein (p.Asn70Tyr). This variant is present in population databases (no rsID available, gnomAD 0.02%). This variant has not been reported in the literature in individuals affected with RIT1-related conditions. ClinVar contains an entry for this variant (Variation ID: 1314916). Invitae Evidence Modeling incorporating data from in vitro experimental studies (internal data) indicates that this missense variant is not expected to disrupt RIT1 function with a negative predictive value of 95%. In summary, the available evidence is currently insufficient to determine the role of this variant in disease. Therefore, it has been classified as a Variant of Uncertain Significance.

Ambry Genetics
Classification: Uncertain significance for Cardiovascular phenotype. Last evaluated: 2024-12-03. Review status: criteria provided, single submitter. Criteria: Ambry Variant Classification Scheme 2023. Collection method: clinical testing. Allele origin: germline.

Genome-Nilou Lab
Classification: Uncertain significance for Noonan syndrome 8. Last evaluated: 2023-04-11. Review status: criteria provided, single submitter. Criteria: ACMG Guidelines, 2015. Collection method: clinical testing. Allele origin: germline. Affected: no.

GeneDx
Classification: Uncertain significance. Last evaluated: 2021-04-29. Review status: criteria provided, single submitter. Criteria: GeneDx Variant Classification Process June 2021. Collection method: clinical testing. Allele origin: germline. Affected: yes.
Comment: Has not been previously published as pathogenic or benign to our knowledge; In silico analysis supports that this missense variant does not alter protein structure/function